The following is an entry in ClinVar:

NM_002857.4(PEX19):c.362C>T (p.Ser121Phe)

Gene: PEX19 (peroxisomal biogenesis factor 19; minus strand). Cytogenetic location: 1q23.2.
Variant type: single nucleotide variant.
Coding change: c.362C>T on transcript NM_002857.4 (MANE Select); coding-DNA position 362, C replaced by T.
Protein change: p.Ser121Phe; replaces serine 121 with phenylalanine.
Molecular consequence: missense variant. On other transcripts: non-coding transcript variant (1).
Genome position (GRCh38, 1-based): chr1:160,282,487, G>A on the plus strand (C>T on the coding strand, the complement: PEX19 is on the minus strand). VCF-style: chr1-160282487-G-A. GRCh37 (hg19) VCF-style: chr1-160252277-G-A.
Other names: c.362C>T, p.Ser121Phe (NM_001193644.1); short protein forms S121F.
Identifiers: ClinVar variation 576665 (VCV000576665.8), dbSNP rs1557854775, ClinGen allele CA343261907.
Genomic context (GRCh38, chr1:160,282,487, plus strand): 5'-GTGGCATTTTTGGCTAATCCACTTAGTGTTTCCTTTAGGCAAGAAGTGAATTCTTGTTGG[G>A]AGGTCATATCACTGCCTAGGAGAGATTAAAAAAGCCAGCGTCATTTAGGAGTTTGTTTCC-3'
Protein context (NP_002848.1, residues 111-131): AAGRVGSDMT[Ser121Phe]QQEFTSCLKE

ClinVar aggregate classification (germline): Uncertain significance (1 of 4 stars; one submission).

Conditions:
Peroxisome biogenesis disorder 12A (Zellweger). Also called: Peroxisome biogenesis disorder 12A. Identifiers: Orphanet 912, MedGen C3554002, MONDO:0013951, OMIM 614886.

Submission:

Labcorp Genetics (formerly Invitae), Labcorp
Classification: Uncertain significance for Peroxisome biogenesis disorder 12A (Zellweger). Last evaluated: 2022-02-04. Review status: criteria provided, single submitter. Criteria: Invitae Variant Classification Sherloc (09022015). Collection method: clinical testing. Allele origin: germline.
Comment: This variant has not been reported in the literature in individuals affected with PEX19-related conditions. This sequence change replaces serine, which is neutral and polar, with phenylalanine, which is neutral and non-polar, at codon 121 of the PEX19 protein (p.Ser121Phe). This variant is not present in population databases (gnomAD no frequency). ClinVar contains an entry for this variant (Variation ID: 576665). Algorithms developed to predict the effect of missense changes on protein structure and function are either unavailable or do not agree on the potential impact of this missense change (SIFT: "Deleterious"; PolyPhen-2: "Probably Damaging"; Align-GVGD: "Class C15"). In summary, the available evidence is currently insufficient to determine the role of this variant in disease. Therefore, it has been classified as a Variant of Uncertain Significance.